The following is an entry in ClinVar:

NM_031263.4(HNRNPK):c.1002C>T (p.Asp334=)

Gene: HNRNPK (heterogeneous nuclear ribonucleoprotein K; minus strand). Cytogenetic location: 9q21.32.
Variant type: single nucleotide variant.
Coding change: c.1002C>T on transcript NM_031263.4 (MANE Select); coding-DNA position 1002, C replaced by T.
Protein change: p.Asp334=; no amino-acid change (aspartic acid 334 retained).
Molecular consequence: synonymous variant.
Genome position (GRCh38, 1-based): chr9:83,971,678, G>A on the plus strand (C>T on the coding strand, the complement: HNRNPK is on the minus strand). VCF-style: chr9-83971678-G-A. GRCh37 (hg19) VCF-style: chr9-86586593-G-A.
Other names: c.930C>T, p.Asp310= (NM_001318186.2, NM_001318187.2); c.1002C>T, p.Asp334= (NM_001318188.2, NM_002140.5, NM_031262.4).
Identifiers: ClinVar variation 2901252 (VCV002901252.18), dbSNP rs372415085, ClinGen allele CA5104013.

ClinVar aggregate classification (germline): Likely benign. Review status: criteria provided, multiple submitters, no conflicts (2 of 4 stars). 3 submissions from 3 submitters: Likely benign (3). Last evaluated 2024-11-01.

Allele frequency attached by ClinVar (database versions not stated): TOPMed 0.00007; ESP Exome Variant Server 0.00008; gnomAD 0.00012; ExAC 0.00013; 1000 Genomes Project 0.00040; 1000 Genomes Project 30x 0.00047.

Submissions (3):

CeGaT Center for Human Genetics Tuebingen
Classification: Likely benign. Last evaluated: 2024-11-01. Review status: criteria provided, single submitter. Criteria: CeGaT Center For Human Genetics Tuebingen Variant Classification Criteria Version 2. Collection method: clinical testing. Allele origin: germline. Affected: yes. Observed: 1 variant allele.
Comment: HNRNPK: BP4, BP7

Blueprint Genetics
Classification: Likely benign. Last evaluated: 2024-09-02. Review status: criteria provided, single submitter. Criteria: ACMG Guidelines, 2015. Collection method: clinical testing. Allele origin: germline.

Labcorp Genetics (formerly Invitae), Labcorp
Classification: Likely benign. Last evaluated: 2024-06-14. Review status: criteria provided, single submitter. Criteria: Invitae Variant Classification Sherloc (09022015). Collection method: clinical testing. Allele origin: germline.